The following is an entry in ClinVar:

ClinVar aggregate classification (germline): Pathogenic (1 of 4 stars; one submission).

Submission:

Labcorp Genetics (formerly Invitae), Labcorp
Classification: Pathogenic. Last evaluated: 2023-06-11. Review status: criteria provided, single submitter. Criteria: Invitae Variant Classification Sherloc (09022015). Collection method: clinical testing. Allele origin: germline.
Comment: For these reasons, this variant has been classified as Pathogenic. This variant has not been reported in the literature in individuals affected with FMO3-related conditions. This variant is not present in population databases (gnomAD no frequency). This sequence change creates a premature translational stop signal (p.Lys4*) in the FMO3 gene. It is expected to result in an absent or disrupted protein product. Loss-of-function variants in FMO3 are known to be pathogenic (PMID: 20301282).

Literature cited by the submitters: PubMed 20301282.

NM_001002294.3(FMO3):c.10A>T (p.Lys4Ter)

Gene: FMO3 (flavin containing dimethylaniline monoxygenase 3; plus strand). Cytogenetic location: 1q24.3.
Variant type: single nucleotide variant.
Coding change: c.10A>T on transcript NM_001002294.3 (MANE Select); coding-DNA position 10, A replaced by T.
Protein change: p.Lys4Ter; replaces lysine 4 with a stop codon.
Molecular consequence: nonsense. On other transcripts: 5 prime UTR variant (1).
Genome position (GRCh38, 1-based): chr1:171,092,668, A>T. VCF-style: chr1-171092668-A-T. GRCh37 (hg19) VCF-style: chr1-171061809-A-T.
Other names: c.-178A>T (NM_001319173.2); c.10A>T, p.Lys4Ter (NM_001319174.2, NM_006894.6); short protein forms K4*.
Identifiers: ClinVar variation 3013899 (VCV003013899.3), dbSNP rs2526256716, ClinGen allele CA343176723.
Genomic context (GRCh38, chr1:171,092,668, plus strand): 5'-TTCAGCAATGTTGTTACTGGAAATGTTCTCTGGGCCTTTGCACAGGTTACCATGGGGAAG[A>T]AAGTGGCCATCATTGGAGCTGGTGTGAGTGGCTTGGCCTCCATCAGGAGCTGTCTGGAAG-3'